The following is an entry in ClinVar:

ClinVar aggregate classification (germline): Uncertain significance (1 of 4 stars; one submission).

Conditions:
Drash syndrome (DDS). Also called: NEPHROPATHY, WILMS TUMOR, AND GENITAL ANOMALIES; WILMS TUMOR AND PSEUDO- OR TRUE HERMAPHRODITISM. Identifiers: Orphanet 220, MedGen C0950121, MONDO:0008682, OMIM 194080.
Frasier syndrome. Identifiers: Orphanet 347, MedGen C0950122, MeSH D052159, MONDO:0007635, OMIM 136680.
Wilms tumor 1 (WT1). Also called: Wilms tumor, somatic. Identifiers: Orphanet 654, MedGen CN033288, MONDO:0008679, OMIM 194070.
11p partial monosomy syndrome (WAGR). Also called: CHROMOSOME 11p13 DELETION SYNDROME; WAGR Spectrum Disorder; WAGR syndrome; WAGR Complex. Identifiers: Orphanet 893, MedGen C0206115, MONDO:0008681, OMIM 194072.

Submission:

Labcorp Genetics (formerly Invitae), Labcorp
Classification: Uncertain significance for Wilms tumor 1; Drash syndrome; 11p partial monosomy syndrome; Frasier syndrome. Last evaluated: 2024-08-30. Review status: criteria provided, single submitter. Criteria: Invitae Variant Classification Sherloc (09022015). Collection method: clinical testing. Allele origin: germline.
Comment: This sequence change creates a premature translational stop signal (p.Cys24*) in the WT1 gene. It is unclear whether it will result in an absent or disrupted protein product because a major initiation site located at codon 69 has the potential to rescue this variant. This variant is not present in population databases (gnomAD no frequency). This variant has not been reported in the literature in individuals affected with WT1-related conditions. ClinVar contains an entry for this variant (Variation ID: 944151). Downstream of the non-canonical translation start site (CTG) at codon 1, the nearest methionine codon that can be used to initiate translation of the WT1 protein lies at codon 69. This downstream in-frame ATG is known as a major initiation site (PMID: 28811308, 16987884, 8621495). The functional significance of the different WT1 protein isoforms is unknown (PMID: 8621495), however mice lacking the N-terminal 68 amino acids develop normally and are fertile (PMID: 12640141). Based on these results, the impact of this variant on WT1 protein function is uncertain. In summary, the available evidence is currently insufficient to determine the role of this variant in disease. Therefore, it has been classified as a Variant of Uncertain Significance.

Literature cited by the submitters: PubMed 28811308; PubMed 16987884; PubMed 8621495; PubMed 12640141.

NM_024426.6(WT1):c.87C>A (p.Cys29Ter)

Genes: WT1 (WT1 transcription factor; minus strand), LOC107982234 (WT1/WT1-AS bi-directional promoter region; plus strand). Cytogenetic location: 11p13.
Variant type: single nucleotide variant.
Coding change: c.87C>A on transcript NM_024426.6 (MANE Select); coding-DNA position 87, C replaced by A.
Protein change: p.Cys29Ter; replaces cysteine 29 with a stop codon.
Molecular consequence: nonsense. On other transcripts: non-coding transcript variant (1).
Genome position (GRCh38, 1-based): chr11:32,435,274, G>T on the plus strand (C>A on the coding strand, the complement: WT1 is on the minus strand). VCF-style: chr11-32435274-G-T. GRCh37 (hg19) VCF-style: chr11-32456820-G-T.
Other names: c.87C>A, p.Cys29Ter (NM_000378.6, NM_024424.5); short protein forms C29*.
Identifiers: ClinVar variation 944151 (VCV000944151.10), dbSNP rs1554946770, ClinGen allele CA379966416.